The following is an entry in ClinVar:

NM_130384.3(ATRIP):c.1741C>T (p.Pro581Ser)

Genes: ATRIP (ATR interacting protein; plus strand), ATRIP-TREX1 (ATRIP-TREX1 readthrough; plus strand). Cytogenetic location: 3p21.31.
Variant type: single nucleotide variant.
Coding change: c.1741C>T on transcript NM_130384.3 (MANE Select); coding-DNA position 1741, C replaced by T.
Protein change: p.Pro581Ser; replaces proline 581 with serine.
Molecular consequence: missense variant. On other transcripts: non-coding transcript variant (1).
Genome position (GRCh38, 1-based): chr3:48,460,795, C>T. VCF-style: chr3-48460795-C-T. GRCh37 (hg19) VCF-style: chr3-48502194-C-T.
Other names: c.1741C>T (NM_130384.1); c.1360C>T, p.Pro454Ser (NM_001271022.2); c.1462C>T, p.Pro488Ser (NM_001271023.2); c.1741C>T, p.Pro581Ser (NM_032166.4); short protein forms P454S, P488S, P581S.
Identifiers: ClinVar variation 1992996 (VCV001992996.5), dbSNP rs2040084755, ClinGen allele CA352727900.
Genomic context (GRCh38, chr3:48,460,795, plus strand): 5'-CTGACCCAGTGCCTTAAGGTTTTGGTGAAATTAGCCGAAAACACTTCCTGTGATTTCTTG[C>T]CCAGGTATTAAGCTGCATAGGAGTCATGATTCTTTGTGGGTCTCACCTGACCTCTTAAGG-3'
Protein context (NP_569055.1, residues 571-591): LAENTSCDFL[Pro581Ser]RFQCVFQVLP

ClinVar aggregate classification (germline): Uncertain significance. Review status: criteria provided, multiple submitters, no conflicts (2 of 4 stars). 2 submissions from 2 submitters: Uncertain significance (2). Last evaluated 2026-07-28.

Allele frequency attached by ClinVar (database versions not stated): TOPMed below 0.00001.

Submissions (2):

Ambry Genetics
Classification: Uncertain significance. Last evaluated: 2026-07-28. Review status: criteria provided, single submitter. Criteria: Ambry Variant Classification Scheme 2023. Collection method: clinical testing. Allele origin: germline.
Comment: The p.P581S variant (also known as c.1741C>T), located in coding exon 8 of the ATRIP gene, results from a C to T substitution at nucleotide position 1741. The proline at codon 581 is replaced by serine, an amino acid with similar properties. This amino acid position is conserved. In addition, this alteration is predicted to be tolerated by in silico analysis. Based on the available evidence, the clinical significance of this variant remains unclear.

Labcorp Genetics (formerly Invitae), Labcorp
Classification: Uncertain significance. Last evaluated: 2024-02-23. Review status: criteria provided, single submitter. Criteria: Invitae Variant Classification Sherloc (09022015). Collection method: clinical testing. Allele origin: germline.
Comment: This sequence change replaces proline, which is neutral and non-polar, with serine, which is neutral and polar, at codon 581 of the ATRIP protein (p.Pro581Ser). This variant is not present in population databases (gnomAD no frequency). This variant has not been reported in the literature in individuals affected with ATRIP-related conditions. ClinVar contains an entry for this variant (Variation ID: 1992996). An algorithm developed to predict the effect of missense changes on protein structure and function (PolyPhen-2) suggests that this variant is likely to be disruptive. In summary, the available evidence is currently insufficient to determine the role of this variant in disease. Therefore, it has been classified as a Variant of Uncertain Significance.